The following is an entry in ClinVar:

NM_004304.5(ALK):c.723T>G (p.Phe241Leu)

Gene: ALK (ALK receptor tyrosine kinase; minus strand). Cytogenetic location: 2p23.2.
Variant type: single nucleotide variant.
Coding change: c.723T>G on transcript NM_004304.5 (MANE Select); coding-DNA position 723, T replaced by G.
Protein change: p.Phe241Leu; replaces phenylalanine 241 with leucine.
Molecular consequence: missense variant.
Genome position (GRCh38, 1-based): chr2:29,717,642, A>C on the plus strand (T>G on the coding strand, the complement: ALK is on the minus strand). VCF-style: chr2-29717642-A-C. GRCh37 (hg19) VCF-style: chr2-29940508-A-C.
Other names: short protein forms F241L.
Identifiers: ClinVar variation 2566563 (VCV002566563.5), dbSNP rs146281095, ClinGen allele CA1594886.
Genomic context (GRCh38, chr2:29,717,642, plus strand): 5'-TCGGCTGCGATGAGACAGGAAAGGGAAGGAGTCTTTCATTATCCAGGTGAGATTCCATGT[A>C]AAATAATCAGGAGAAGGAGAAGGCATGTTTGTTGGTGATTCCAAGGAGCTATGACCTGGA-3'
Protein context (NP_004295.2, residues 231-251): TNMPSPSPDY[Phe241Leu]TWNLTWIMKD

ClinVar aggregate classification (germline): Uncertain significance. Review status: criteria provided, multiple submitters, no conflicts (2 of 4 stars). 2 submissions from 2 submitters: Uncertain significance (2). Last evaluated 2025-03-03.

Conditions:
Hereditary cancer-predisposing syndrome. Also called: Neoplastic Syndromes, Hereditary; Hereditary Cancer Syndrome; Tumor predisposition; Hereditary neoplastic syndrome. Identifiers: Orphanet 140162, MedGen C0027672, MeSH D009386, MONDO:0015356.
Neuroblastoma, susceptibility to, 3. Also called: ALK-Related Neuroblastic Tumor Susceptibility. Identifiers: Orphanet 635, MedGen C2751681, MONDO:0013083, OMIM 613014.

Allele frequency attached by ClinVar (database versions not stated): gnomAD exomes below 0.00001; 1000 Genomes Project 30x 0.00016; 1000 Genomes Project 0.00020.
gnomAD v4.1: 3 of 1,614,024 alleles (0.00019%); highest among the groups gnomAD compares: East Asian, 0.0067%; no homozygotes.

Submissions (2):

Labcorp Genetics (formerly Invitae), Labcorp
Classification: Uncertain significance for Neuroblastoma, susceptibility to, 3. Last evaluated: 2025-03-03. Review status: criteria provided, single submitter. Criteria: Invitae Variant Classification Sherloc (09022015). Collection method: clinical testing. Allele origin: germline.
Comment: This sequence change replaces phenylalanine, which is neutral and non-polar, with leucine, which is neutral and non-polar, at codon 241 of the ALK protein (p.Phe241Leu). This variant is present in population databases (rs146281095, gnomAD 0.006%). This variant has not been reported in the literature in individuals affected with ALK-related conditions. ClinVar contains an entry for this variant (Variation ID: 2566563). An algorithm developed to predict the effect of missense changes on protein structure and function outputs the following: PolyPhen-2: "Benign". The leucine amino acid residue is found in multiple mammalian species, which suggests that this missense change does not adversely affect protein function. In summary, the available evidence is currently insufficient to determine the role of this variant in disease. Therefore, it has been classified as a Variant of Uncertain Significance.

Ambry Genetics
Classification: Uncertain significance for Hereditary cancer-predisposing syndrome. Last evaluated: 2023-04-03. Review status: criteria provided, single submitter. Criteria: Ambry Variant Classification Scheme 2023. Collection method: clinical testing. Allele origin: germline.
Comment: The p.F241L variant (also known as c.723T>G), located in coding exon 2 of the ALK gene, results from a T to G substitution at nucleotide position 723. The phenylalanine at codon 241 is replaced by leucine, an amino acid with highly similar properties. This amino acid position is conserved. In addition, this alteration is predicted to be tolerated by in silico analysis. Since supporting evidence is limited at this time, the clinical significance of this alteration remains unclear.